The following is an entry in ClinVar:

NM_000069.3(CACNA1S):c.3525+1G>A

Gene: CACNA1S (calcium voltage-gated channel subunit alpha1 S; minus strand). Cytogenetic location: 1q32.1.
Variant type: single nucleotide variant.
Coding change: c.3525+1G>A on transcript NM_000069.3 (MANE Select); the canonical splice donor site of the intron after coding-DNA position 3525, G replaced by A.
Molecular consequence: splice donor variant.
Genome position (GRCh38, 1-based): chr1:201,059,188, C>T on the plus strand (G>A on the coding strand, the complement: CACNA1S is on the minus strand). VCF-style: chr1-201059188-C-T. GRCh37 (hg19) VCF-style: chr1-201028316-C-T.
Identifiers: ClinVar variation 653789 (VCV000653789.8), dbSNP rs1572033599, ClinGen allele CA344158026.

ClinVar aggregate classification (germline): Conflicting classifications of pathogenicity. Review status: criteria provided, conflicting classifications (1 of 4 stars). 2 submissions from 2 submitters: Likely pathogenic (1); Uncertain significance (1). Last evaluated 2025-11-23.

Conditions:
Malignant hyperthermia, susceptibility to, 5 (MHS5). Also called: CACNA1S-Related Malignant Hyperthermia Susceptibility. Identifiers: Orphanet 423, MedGen C1866077, MONDO:0011163, OMIM 601887.
Hypokalemic periodic paralysis, type 1. Also called: HypoPP; Hypokalemic Periodic Paralysis Type 1 (AD). Identifiers: Orphanet 681, MedGen C3714580, MONDO:0042979, OMIM 170400.

Allele frequency attached by ClinVar (database versions not stated): gnomAD exomes 0.00001.

Submissions (2):

Labcorp Genetics (formerly Invitae), Labcorp
Classification: Likely pathogenic for Hypokalemic periodic paralysis, type 1; Malignant hyperthermia, susceptibility to, 5. Last evaluated: 2025-11-23. Review status: criteria provided, single submitter. Criteria: Invitae Variant Classification Sherloc (09022015). Collection method: clinical testing. Allele origin: germline.
Comment: This sequence change affects a donor splice site in intron 27 of the CACNA1S gene. It is expected to disrupt RNA splicing. Variants that disrupt the donor or acceptor splice site typically lead to a loss of protein function (PMID: 16199547), and loss-of-function variants in CACNA1S are known to be pathogenic (PMID: 26247046, 28012042). This variant is not present in population databases (gnomAD no frequency). This variant has not been reported in the literature in individuals affected with CACNA1S-related conditions. ClinVar contains an entry for this variant (Variation ID: 653789). Algorithms developed to predict the effect of sequence changes on RNA splicing suggest that this variant may disrupt the consensus splice site. In summary, the currently available evidence indicates that the variant is pathogenic, but additional data are needed to prove that conclusively. Therefore, this variant has been classified as Likely Pathogenic.

Color Diagnostics, LLC DBA Color Health
Classification: Uncertain significance for Malignant hyperthermia, susceptibility to, 5. Last evaluated: 2025-05-29. Review status: criteria provided, single submitter. Criteria: ACMG Guidelines, 2015. Collection method: clinical testing. Allele origin: germline.
Comment: This variant causes a G to A nucleotide substitution at the +1 position of intron 27 of the CACNA1S gene. To our knowledge, functional studies have not been reported for this variant. This variant has not been reported in individuals affected with CACNA1S-related disorders in the literature. This variant has not been identified in the general population by the Genome Aggregation Database (gnomAD). The available evidence is insufficient to determine the role of this variant in autosomal dominant malignant hyperthermia susceptibility conclusively. Therefore, this variant is classified as a Variant of Uncertain Significance.

Literature cited by the submitters: PubMed 16199547 (cited by Labcorp Genetics (formerly Invitae), Labcorp); PubMed 26247046 (cited by Labcorp Genetics (formerly Invitae), Labcorp); PubMed 28012042 (cited by Labcorp Genetics (formerly Invitae), Labcorp).